The following is an entry in ClinVar:

ClinVar aggregate classification (germline): Pathogenic (1 of 4 stars; one submission).

Conditions:
Hypertrophic cardiomyopathy. Also called: HYPERTROPHIC MYOCARDIOPATHY. Identifiers: Orphanet 217569, MedGen C0007194, MeSH D002312, MONDO:0005045, HP:0001639.

Submission:

Labcorp Genetics (formerly Invitae), Labcorp
Classification: Pathogenic for Hypertrophic cardiomyopathy. Last evaluated: 2024-02-03. Review status: criteria provided, single submitter. Criteria: Invitae Variant Classification Sherloc (09022015). Collection method: clinical testing. Allele origin: germline.
Comment: This sequence change affects a donor splice site in intron 18 of the MYBPC3 gene. It is expected to disrupt RNA splicing. Variants that disrupt the donor or acceptor splice site typically lead to a loss of protein function (PMID: 16199547), and loss-of-function variants in MYBPC3 are known to be pathogenic (PMID: 19574547). This variant is not present in population databases (gnomAD no frequency). Disruption of this splice site has been observed in individuals with hypertrophic cardiomyopathy (PMID: 22857948; Invitae). Algorithms developed to predict the effect of sequence changes on RNA splicing suggest that this variant may disrupt the consensus splice site. For these reasons, this variant has been classified as Pathogenic.

Literature cited by the submitters: PubMed 16199547; PubMed 19574547; PubMed 22857948.

NM_000256.3(MYBPC3):c.1790+1G>T

Gene: MYBPC3 (myosin binding protein C3; minus strand). Cytogenetic location: 11p11.2.
Variant type: single nucleotide variant.
Coding change: c.1790+1G>T on transcript NM_000256.3 (MANE Select); the canonical splice donor site of the intron after coding-DNA position 1790, G replaced by T.
Molecular consequence: splice donor variant.
Genome position (GRCh38, 1-based): chr11:47,341,990, C>A on the plus strand (G>T on the coding strand, the complement: MYBPC3 is on the minus strand). VCF-style: chr11-47341990-C-A. GRCh37 (hg19) VCF-style: chr11-47363541-C-A.
Identifiers: ClinVar variation 3638614 (VCV003638614.2).